The following continues an entry in ClinVar:

NM_001613.4(ACTA2):c.115C>T (p.Arg39Cys)

Gene: ACTA2. ClinVar aggregate classification (germline): Pathogenic/Likely pathogenic. Pathogenic (10); Likely pathogenic (2).

Submissions 12 to 16 of 16:

Juno Genomics, Hangzhou Juno Genomics, Inc
Classification: Pathogenic for Multisystemic smooth muscle dysfunction syndrome; Aortic aneurysm, familial thoracic 6; Moyamoya disease 5. Review status: criteria provided, single submitter. Criteria: ACMG Guidelines, 2015. Collection method: clinical testing. Allele origin: germline.
Comment: Absent from controls (or at extremely low frequency if recessive) in Genome Aggregation Database.;Multiple lines of computational evidence support a deleterious effect on the gene or gene product.;Missense variant in a gene that has a low rate of benign missense variation.;The prevalence of the variant in affected individuals is significantly increased compared to the prevalence in controls.;Co-segregation with disease in multiple affected family members.

PreventionGenetics, part of Exact Sciences
Classification: Pathogenic for ACTA2-related condition. Last evaluated: 2024-05-28. Review status: no assertion criteria provided. Collection method: clinical testing. Allele origin: germline. Not counted in ClinVar's aggregate classification.
Comment: The ACTA2 c.115C>T variant is predicted to result in the amino acid substitution p.Arg39Cys. This variant has been reported in multiple individuals with thoracic aortic aneurysms and dissections (TAAD) (Hoffjan et al. 2011. PubMed ID: 21248741; Imai et al. 2011. PubMed ID: 21733706; Campens et al. 2015. PubMed ID: 25644172). Different missense variants affecting the same amino acid codon (p.Arg39His and p.Arg39Gly) have been reported in multiple individuals with TAAD (Guo et al 2009. PubMed ID: 19409525; Yang et al. 2016. PubMed ID: 27611364; Regalado et al. 2015. PubMed ID: 25759435) indicating that this residue is important for ACTA2 function. This variant is reported in 0.029% of alleles in individuals of European (Finnish) descent in gnomAD. This variant is interpreted as pathogenic.

OMIM
Classification: Pathogenic for AORTIC ANEURYSM, FAMILIAL THORACIC 6. Last evaluated: 2011-05-01. Review status: no assertion criteria provided. Collection method: literature only. Allele origin: germline. Not counted in ClinVar's aggregate classification.

Genome Diagnostics Laboratory, Amsterdam University Medical Center
Classification: Pathogenic. Review status: no assertion criteria provided. Collection method: clinical testing. Allele origin: germline. Affected: yes. Study: VKGL Data-share Consensus. Not counted in ClinVar's aggregate classification.

Joint Genome Diagnostic Labs from Nijmegen and Maastricht, Radboudumc and MUMC+
Classification: Pathogenic. Review status: no assertion criteria provided. Collection method: clinical testing. Allele origin: germline. Affected: yes. Study: VKGL Data-share Consensus. Not counted in ClinVar's aggregate classification.

Literature cited by the submitters: PubMed 21248741 (cited by 4 submitters); PubMed 21733706 (cited by Labcorp Genetics (formerly Invitae), Labcorp and Ambry Genetics); PubMed 21937134 (cited by 3 submitters); PubMed 24243736 (cited by 3 submitters); PubMed 25644172 (cited by Labcorp Genetics (formerly Invitae), Labcorp and Ambry Genetics); PubMed 25759435 (cited by Labcorp Genetics (formerly Invitae), Labcorp); PubMed 29907982 (cited by Ambry Genetics); PubMed 19409525 (cited by OMIM).